The following is an entry in ClinVar:

ClinVar aggregate classification (germline): Uncertain significance. Review status: criteria provided, multiple submitters, no conflicts (2 of 4 stars). 2 submissions from 2 submitters: Uncertain significance (2). Last evaluated 2024-11-01.

Conditions:
Immunodeficiency, common variable, 10. Also called: DEFICIT IN ANTERIOR PITUITARY FUNCTION AND VARIABLE IMMUNODEFICIENCY; IMMUNODEFICIENCY, COMMON VARIABLE, WITH CENTRAL ADRENAL INSUFFICIENCY. Identifiers: MedGen C3809991, MONDO:0014260, OMIM 615577.

Submissions (2):

GeneDx
Classification: Uncertain significance. Last evaluated: 2024-11-01. Review status: criteria provided, single submitter. Criteria: GeneDx Variant Classification Process June 2021. Collection method: clinical testing. Allele origin: germline. Affected: yes.
Comment: Not observed at significant frequency in large population cohorts (gnomAD); In-frame deletion of 9 amino acid(s) in a non-repeat region; Has not been previously published as pathogenic or benign to our knowledge

Labcorp Genetics (formerly Invitae), Labcorp
Classification: Uncertain significance for Immunodeficiency, common variable, 10. Last evaluated: 2023-03-19. Review status: criteria provided, single submitter. Criteria: Invitae Variant Classification Sherloc (09022015). Collection method: clinical testing. Allele origin: germline.
Comment: This variant, c.1642_1668del, results in the deletion of 9 amino acid(s) of the NFKB2 protein (p.Arg548_Leu556del), but otherwise preserves the integrity of the reading frame. This variant is not present in population databases (gnomAD no frequency). This variant has not been reported in the literature in individuals affected with NFKB2-related conditions. Experimental studies and prediction algorithms are not available or were not evaluated, and the functional significance of this variant is currently unknown. Algorithms developed to predict the effect of sequence changes on RNA splicing suggest that this variant may disrupt the consensus splice site. In summary, the available evidence is currently insufficient to determine the role of this variant in disease. Therefore, it has been classified as a Variant of Uncertain Significance.

NM_001322934.2(NFKB2):c.1642_1668del (p.Arg548_Leu556del)

Gene: NFKB2 (nuclear factor kappa B subunit 2; plus strand). Cytogenetic location: 10q24.32.
Variant type: Deletion.
Coding change: c.1642_1668del on transcript NM_001322934.2 (MANE Select); coding-DNA positions 1642 to 1668, 27 bases deleted (CGGGTAGGTGCAGACCCAGCTCTGCTG).
Protein change: p.Arg548_Leu556del.
Molecular consequence: inframe deletion. On other transcripts: inframe indel (1).
Genome position (GRCh38, 1-based): chr10:102,400,335-102,400,361, CGGGTAGGTGCAGACCCAGCTCTGCTG deleted; deleting any 27 consecutive bases within chr10:102,400,328-102,400,361 gives the same sequence; the c. name uses the placement nearest the transcript's 3' end. VCF-style (leftmost placement, unchanged base first): chr10-102400327-TTCTGCTGCGGGTAGGTGCAGACCCAGC-T. GRCh37 (hg19) VCF-style: chr10-104160084-TTCTGCTGCGGGTAGGTGCAGACCCAGC-T.
Other names: c.1642_1668del27, p.Arg548_Leu556del (NM_001077493.1); c.1642_1668del, p.Arg548_Leu556del (NM_001077494.3, NM_001261403.3, NM_001288724.1 and 1 more transcripts); c.1516_1542del, p.Arg506_Leu514del (NM_001322935.1).
Identifiers: ClinVar variation 2847491 (VCV002847491.4), dbSNP rs2544595670, ClinGen allele CA2739275978.
Genomic context (GRCh38, chr10:102,400,327, plus strand): 5'-TTCATCCCCAGACGCCCCTGCACCTGGCGGTGATCACGGGGCAGACGAGTGTGGTGAGCT[TTCTGCTGCGGGTAGGTGCAGACCCAGC>T]TCTGCTGGATCGGCATGGAGACTCAGCCATGCATCTGGCGCTGCGGGCAGGCGCTGGTGC-3'